The following is an entry in ClinVar:

ClinVar aggregate classification (germline): Likely pathogenic (1 of 4 stars; one submission).

Conditions:
Inborn genetic diseases. Identifiers: MedGen C0950123, MeSH D030342.

Submission:

Ambry Genetics
Classification: Likely pathogenic for Inborn genetic diseases. Last evaluated: 2025-09-05. Review status: criteria provided, single submitter. Criteria: Ambry Variant Classification Scheme 2023. Collection method: clinical testing. Allele origin: germline.
Comment: The c.935G>A (p.G312D) alteration is located in exon 4 (coding exon 4) of the BTD gene. This alteration results from a G to A substitution at nucleotide position 935, causing the glycine (G) at amino acid position 312 to be replaced by an aspartic acid (D). Based on the available evidence, this alteration is classified as likely pathogenic.

NM_000060.2:c.935G>A

Gene: BTD (biotinidase; plus strand).
Variant type: single nucleotide variant.
Other names: c.935G>A (NM_000060.2).
Identifiers: ClinVar variation 4216773 (VCV004216773.1).